The following is an entry in ClinVar:

ClinVar aggregate classification (germline): Uncertain significance (1 of 4 stars; one submission).

Conditions:
Pitt-Hopkins-like syndrome 2 (PTHSL2). Identifiers: Orphanet 221150, Orphanet 600663, MedGen C3280479, MONDO:0013690, OMIM 614325.

Allele frequency attached by ClinVar (database versions not stated): gnomAD exomes below 0.00001.
gnomAD v4.1: 1 of 1,613,948 alleles (0.000062%); highest among the groups gnomAD compares: African/African-American, 0.0013%; no homozygotes.

Submission:

Labcorp Genetics (formerly Invitae), Labcorp
Classification: Uncertain significance for Pitt-Hopkins-like syndrome 2. Last evaluated: 2021-12-02. Review status: criteria provided, single submitter. Criteria: Invitae Variant Classification Sherloc (09022015). Collection method: clinical testing. Allele origin: germline.
Comment: This sequence change replaces phenylalanine, which is neutral and non-polar, with isoleucine, which is neutral and non-polar, at codon 914 of the NRXN1 protein (p.Phe914Ile). This variant is not present in population databases (gnomAD no frequency). This variant has not been reported in the literature in individuals affected with NRXN1-related conditions. Algorithms developed to predict the effect of missense changes on protein structure and function are either unavailable or do not agree on the potential impact of this missense change (SIFT: "Deleterious"; PolyPhen-2: "Possibly Damaging"; Align-GVGD: "Class C0"). In summary, the available evidence is currently insufficient to determine the role of this variant in disease. Therefore, it has been classified as a Variant of Uncertain Significance.

NM_001330078.2(NRXN1):c.2620T>A (p.Phe874Ile)

Gene: NRXN1 (neurexin 1; minus strand). Cytogenetic location: 2p16.3.
Variant type: single nucleotide variant.
Coding change: c.2620T>A on transcript NM_001330078.2 (MANE Select); coding-DNA position 2620, T replaced by A.
Protein change: p.Phe874Ile; replaces phenylalanine 874 with isoleucine.
Molecular consequence: missense variant.
Genome position (GRCh38, 1-based): chr2:50,497,592, A>T on the plus strand (T>A on the coding strand, the complement: NRXN1 is on the minus strand). VCF-style: chr2-50497592-A-T. GRCh37 (hg19) VCF-style: chr2-50724730-A-T.
Other names: c.2740T>A, p.Phe914Ile (NM_001135659.3); c.2596T>A, p.Phe866Ile (NM_001330077.2, NM_001330082.2); c.2554T>A, p.Phe852Ile (NM_001330083.2, NM_001330084.2); c.2593T>A, p.Phe865Ile (NM_001330085.2); c.2620T>A, p.Phe874Ile (NM_001330086.2, NM_004801.6); c.2509T>A, p.Phe837Ile (NM_001330087.2, NM_001330096.2); c.2539T>A, p.Phe847Ile (NM_001330088.2); c.2617T>A, p.Phe873Ile (NM_001330093.2); and 2 more; short protein forms F865I, F837I, F857I, F866I, F870I, F914I, F847I, F852I.
Identifiers: ClinVar variation 1383489 (VCV001383489.6), dbSNP rs2104920117, ClinGen allele CA346777254.